The following is an entry in ClinVar:

ClinVar aggregate classification (germline): Conflicting classifications of pathogenicity. Review status: criteria provided, conflicting classifications (1 of 4 stars). 10 submissions from 8 submitters: Uncertain significance (3); Benign (2); Likely benign (4). 1 of the submissions does not count toward it. Last evaluated 2026-01-28.

Conditions:
MYO7A-related disorder. Also called: MYO7A-related disorders.
Usher syndrome type 1 (USH1). Also called: RETINITIS PIGMENTOSA AND CONGENITAL DEAFNESS. Identifiers: Orphanet 231169, Orphanet 886, MedGen C1568247, MONDO:0010168, OMIM 276900.
Autosomal dominant nonsyndromic hearing loss 11. Identifiers: Orphanet 90635, MedGen C1832475, MONDO:0011032, OMIM 601317.
Autosomal recessive nonsyndromic hearing loss 2. Also called: NEUROSENSORY NONSYNDROMIC RECESSIVE DEAFNESS 2; DEAFNESS, AUTOSOMAL RECESSIVE 2. Identifiers: Orphanet 90636, MedGen C1838701, MONDO:0010807, OMIM 600060.

Allele frequency attached by ClinVar (database versions not stated): gnomAD exomes 0.00019 and 0.00056; ExAC 0.00072; ESP Exome Variant Server 0.00142; gnomAD 0.00197 and 0.00206; TOPMed 0.00205; 1000 Genomes Project 0.00379; 1000 Genomes Project 30x 0.00422.

Submissions (10):

Labcorp Genetics (formerly Invitae), Labcorp
Classification: Likely benign. Last evaluated: 2026-01-28. Review status: criteria provided, single submitter. Criteria: Invitae Variant Classification Sherloc (09022015). Collection method: clinical testing. Allele origin: germline.

CeGaT Center for Human Genetics Tuebingen
Classification: Likely benign. Last evaluated: 2025-09-01. Review status: criteria provided, single submitter. Criteria: CeGaT Center For Human Genetics Tuebingen Variant Classification Criteria Version 2. Collection method: clinical testing. Allele origin: germline. Affected: yes. Observed: 1 variant allele.
Comment: MYO7A: PP3, BS2

Blueprint Genetics
Classification: Likely benign. Last evaluated: 2024-07-26. Review status: criteria provided, single submitter. Criteria: ACMG Guidelines, 2015. Collection method: clinical testing. Allele origin: germline.

GeneDx
Classification: Uncertain significance. Last evaluated: 2021-09-23. Review status: criteria provided, single submitter. Criteria: GeneDx Variant Classification Process June 2021. Collection method: clinical testing. Allele origin: germline. Affected: yes.
Comment: In silico analysis, which includes protein predictors and evolutionary conservation, supports a deleterious effect; Has not been previously published as pathogenic or benign to our knowledge

Illumina Laboratory Services, Illumina
Classification: Uncertain significance for Autosomal recessive nonsyndromic hearing loss 2. Last evaluated: 2018-01-12. Review status: criteria provided, single submitter. Criteria: ICSL Variant Classification Criteria 13 December 2019. Collection method: clinical testing. Allele origin: germline.

Illumina Laboratory Services, Illumina
Classification: Uncertain significance for Usher syndrome type 1. Last evaluated: 2018-01-12. Review status: criteria provided, single submitter. Criteria: ICSL Variant Classification Criteria 13 December 2019. Collection method: clinical testing. Allele origin: germline.

Illumina Laboratory Services, Illumina
Classification: Benign for Autosomal dominant nonsyndromic hearing loss 11. Last evaluated: 2018-01-12. Review status: criteria provided, single submitter. Criteria: ICSL Variant Classification Criteria 13 December 2019. Collection method: clinical testing. Allele origin: germline.
Comment: This variant was observed in the ICSL laboratory as part of a predisposition screen in an ostensibly healthy population. It had not been previously curated by ICSL or reported in the Human Gene Mutation Database (HGMD: prior to June 1st, 2018), and was therefore a candidate for classification through an automated scoring system. Utilizing variant allele frequency, disease prevalence and penetrance estimates, and inheritance mode, an automated score was calculated to assess if this variant is too frequent to cause the disease. Based on the score and internal cut-off values, a variant classified as benign is not then subjected to further curation. The score for this variant resulted in a classification of benign for this disease.

Eurofins Ntd Llc (ga)
Classification: Likely benign. Last evaluated: 2017-04-28. Review status: criteria provided, single submitter. Criteria: EGL Classification Definitions 2015. Collection method: clinical testing. Allele origin: germline. Observed: 2 variant alleles, 2 heterozygotes.

Laboratory for Molecular Medicine, Mass General Brigham Personalized Medicine
Classification: Benign. Last evaluated: 2015-08-11. Review status: criteria provided, single submitter. Criteria: LMM Criteria. Collection method: clinical testing. Allele origin: germline. Observed: 2 variant alleles.
Comment: p.His1029Arg in Exon 24 of MYO7A: This variant is not expected to have clinical significance because it has been identified in 0.8% (81/8690) of African chromos omes by the Exome Aggregation Consortium (ExAC; dbSNP rs60103800).

PreventionGenetics, part of Exact Sciences
Classification: Benign for MYO7A-related condition. Last evaluated: 2019-07-26. Review status: no assertion criteria provided. Collection method: clinical testing. Allele origin: germline. Not counted in ClinVar's aggregate classification.
Comment: This variant is classified as benign based on ACMG/AMP sequence variant interpretation guidelines (Richards et al. 2015 PMID: 25741868, with internal and published modifications).

NM_000260.4(MYO7A):c.3086A>G (p.His1029Arg)

Gene: MYO7A (myosin VIIA; plus strand). Cytogenetic location: 11q13.5.
Variant type: single nucleotide variant.
Coding change: c.3086A>G on transcript NM_000260.4 (MANE Select); coding-DNA position 3086, A replaced by G.
Protein change: p.His1029Arg; replaces histidine 1029 with arginine.
Molecular consequence: missense variant.
Genome position (GRCh38, 1-based): chr11:77,182,132, A>G. VCF-style: chr11-77182132-A-G. GRCh37 (hg19) VCF-style: chr11-76893178-A-G.
Other names: c.3086A>G, p.His1029Arg (NM_001127180.2); c.3053A>G, p.His1018Arg (NM_001369365.1); short protein forms H1029R, H1018R.
Identifiers: ClinVar variation 178483 (VCV000178483.37), dbSNP rs60103800, ClinGen allele CA182416.